The following is an entry in ClinVar:

NM_031220.4(PITPNM3):c.1601_1602delinsAT (p.Met534Asn)

Gene: PITPNM3 (PITPNM family member 3; minus strand). Cytogenetic location: 17p13.2.
Variant type: Indel.
Coding change: c.1601_1602delinsAT on transcript NM_031220.4 (MANE Select); coding-DNA positions 1601 to 1602, TG replaced by AT.
Protein change: p.Met534Asn; replaces methionine 534 with asparagine.
Molecular consequence: missense variant.
Genome position (GRCh38, 1-based): chr17:6,471,183-6,471,184, CA replaced by AT on the plus strand (TG replaced by AT on the coding strand, the reverse complement: PITPNM3 is on the minus strand). VCF-style: chr17-6471183-CA-AT. GRCh37 (hg19) VCF-style: chr17-6374503-CA-AT.
Other names: c.1493_1494delinsAT, p.Met498Asn (NM_001165966.2); short protein forms M498N, M534N.
Identifiers: ClinVar variation 2880753 (VCV002880753.3), dbSNP rs2543998677, ClinGen allele CA2739267085.

ClinVar aggregate classification (germline): Uncertain significance (1 of 4 stars; one submission).

Submission:

Labcorp Genetics (formerly Invitae), Labcorp
Classification: Uncertain significance. Last evaluated: 2023-10-18. Review status: criteria provided, single submitter. Criteria: Invitae Variant Classification Sherloc (09022015). Collection method: clinical testing. Allele origin: germline.
Comment: This sequence change replaces methionine, which is neutral and non-polar, with asparagine, which is neutral and polar, at codon 534 of the PITPNM3 protein (p.Met534Asn). This variant is present in population databases (no rsID available, gnomAD 0.0004%). This variant has not been reported in the literature in individuals affected with PITPNM3-related conditions. An algorithm developed to predict the effect of missense changes on protein structure and function (PolyPhen-2) suggests that this variant is likely to be tolerated. In summary, the available evidence is currently insufficient to determine the role of this variant in disease. Therefore, it has been classified as a Variant of Uncertain Significance.